The following is an entry in ClinVar:

ClinVar aggregate classification (germline): Uncertain significance. Review status: criteria provided, multiple submitters, no conflicts (2 of 4 stars). 3 submissions from 3 submitters: Uncertain significance (3). Last evaluated 2025-03-30.

Conditions:
Cardiovascular phenotype. Identifiers: MedGen CN230736.
Arrhythmogenic right ventricular dysplasia 10. Also called: Arrhythmogenic Right Ventricular Dysplasia/Cardiomyopathy10; Arrhythmogenic right ventricular dysplasia/cardiomyopathy, type 10; ARRHYTHMOGENIC RIGHT VENTRICULAR DYSPLASIA, FAMILIAL, 10. Identifiers: MedGen C1857777, MONDO:0012434, OMIM 610193.
Cardiomyopathy (CMYO). Also called: Cardiomyopathies. Identifiers: Orphanet 167848, MedGen C0878544, MONDO:0004994, HP:0001638. Inheritance: Various modes of inheritance.

gnomAD v4.1: 4 of 1,614,198 alleles (0.00025%); highest among the groups gnomAD compares: Middle Eastern, 0.016%; no homozygotes.

Submissions (3):

Ambry Genetics
Classification: Uncertain significance for Cardiovascular phenotype. Last evaluated: 2025-03-30. Review status: criteria provided, single submitter. Criteria: Ambry Variant Classification Scheme 2023. Collection method: clinical testing. Allele origin: germline.

Labcorp Genetics (formerly Invitae), Labcorp
Classification: Uncertain significance for Arrhythmogenic right ventricular dysplasia 10. Last evaluated: 2024-03-22. Review status: criteria provided, single submitter. Criteria: Invitae Variant Classification Sherloc (09022015). Collection method: clinical testing. Allele origin: germline.
Comment: This sequence change replaces asparagine, which is neutral and polar, with isoleucine, which is neutral and non-polar, at codon 514 of the DSG2 protein (p.Asn514Ile). This variant is not present in population databases (gnomAD no frequency). This variant has not been reported in the literature in individuals affected with DSG2-related conditions. ClinVar contains an entry for this variant (Variation ID: 926123). Advanced modeling of protein sequence and biophysical properties (such as structural, functional, and spatial information, amino acid conservation, physicochemical variation, residue mobility, and thermodynamic stability) performed at Invitae indicates that this missense variant is not expected to disrupt DSG2 protein function with a negative predictive value of 95%. In summary, the available evidence is currently insufficient to determine the role of this variant in disease. Therefore, it has been classified as a Variant of Uncertain Significance.

Color Diagnostics, LLC DBA Color Health
Classification: Uncertain significance for Cardiomyopathy. Last evaluated: 2024-03-11. Review status: criteria provided, single submitter. Criteria: ACMG Guidelines, 2015. Collection method: clinical testing. Allele origin: germline.
Comment: This missense variant replaces asparagine with isoleucine at codon 514 of the DSG2 protein. Computational prediction suggests that this variant may not impact protein structure and function (internally defined REVEL score threshold <= 0.5, PMID: 27666373). To our knowledge, functional studies have not been reported for this variant. This variant has not been reported in individuals affected with DSG2-related disorders in the literature. This variant has not been identified in the general population by the Genome Aggregation Database (gnomAD). The available evidence is insufficient to determine the role of this variant in disease conclusively. Therefore, this variant is classified as a Variant of Uncertain Significance.

NM_001943.5(DSG2):c.1541A>T (p.Asn514Ile)

Gene: DSG2 (desmoglein 2; plus strand). Cytogenetic location: 18q12.1.
Variant type: single nucleotide variant.
Coding change: c.1541A>T on transcript NM_001943.5 (MANE Select); coding-DNA position 1541, A replaced by T.
Protein change: p.Asn514Ile; replaces asparagine 514 with isoleucine.
Molecular consequence: missense variant.
Genome position (GRCh38, 1-based): chr18:31,536,319, A>T. VCF-style: chr18-31536319-A-T. GRCh37 (hg19) VCF-style: chr18-29116282-A-T.
Other names: c.1541A>T (NM_001943.3); short protein forms N514I.
Identifiers: ClinVar variation 926123 (VCV000926123.13), dbSNP rs986617814, ClinGen allele CA402141724.